The following is an entry in ClinVar:

NM_000090.4(COL3A1):c.3712C>A (p.Leu1238Ile)

Gene: COL3A1 (collagen type III alpha 1 chain; plus strand). Cytogenetic location: 2q32.2.
Variant type: single nucleotide variant.
Coding change: c.3712C>A on transcript NM_000090.4 (MANE Select); coding-DNA position 3712, C replaced by A.
Protein change: p.Leu1238Ile; replaces leucine 1238 with isoleucine.
Molecular consequence: missense variant.
Genome position (GRCh38, 1-based): chr2:189,009,110, C>A. VCF-style: chr2-189009110-C-A. GRCh37 (hg19) VCF-style: chr2-189873836-C-A.
Other names: short protein forms L1238I.
Identifiers: ClinVar variation 5034757 (VCV005034757.1).

ClinVar aggregate classification (germline): Uncertain significance (1 of 4 stars; one submission).

Conditions:
Familial thoracic aortic aneurysm and aortic dissection (TAAD). Also called: Thoracic aortic aneurysms and dissections. Identifiers: Orphanet 91387, MedGen C4707243, MONDO:0019625.

Submission:

Ambry Genetics
Classification: Uncertain significance for Familial thoracic aortic aneurysm and aortic dissection. Last evaluated: 2026-09-04. Review status: criteria provided, single submitter. Criteria: Ambry Variant Classification Scheme 2023. Collection method: clinical testing. Allele origin: germline.
Comment: The p.L1238I variant (also known as c.3712C>A), located in coding exon 48 of the COL3A1 gene, results from a C to A substitution at nucleotide position 3712. The leucine at codon 1238 is replaced by isoleucine, an amino acid with highly similar properties. This amino acid position is conserved. In addition, the in silico prediction for this alteration is inconclusive. Based on the available evidence, the clinical significance of this variant remains unclear.